The following is an entry in ClinVar:

ClinVar aggregate classification (germline): other (0 of 4 stars; one submission).

Conditions:
Familial colorectal cancer. Identifiers: MedGen CN280943, MONDO:0023113. Disease mechanism: loss of function.

Submission:

Systems Biology Platform Zhejiang California International NanoSystems Institute
Classification: other for Familial colorectal cancer. Review status: no assertion criteria provided. Collection method: not provided. Allele origin: unknown.
ClinVar note: Converted during submission from cancer to other.

NM_000038.6(APC):c.1959-838T>C

Gene: APC (APC regulator of WNT signaling pathway; plus strand). Cytogenetic location: 5q22.2.
Variant type: single nucleotide variant.
Coding change: c.1959-838T>C on transcript NM_000038.6 (MANE Select); 838 bases into the intron before coding-DNA position 1959, T replaced by C.
Molecular consequence: intron variant.
Genome position (GRCh38, 1-based): chr5:112,836,715, T>C. VCF-style: chr5-112836715-T-C. GRCh37 (hg19) VCF-style: chr5-112172412-T-C.
Other names: c.1959-838T>C (NM_001354895.2, NM_001127510.3); c.1989-838T>C (NM_001354897.2); c.1686-838T>C (NM_001354902.2); c.1905-838T>C (NM_001127511.3); c.1884-838T>C (NM_001354898.2); c.1581-838T>C (NM_001354904.2); c.1110-838T>C (NM_001354906.2); c.2013-838T>C (NM_001354896.2); and 5 more.
Identifiers: ClinVar variation 82628 (VCV000082628.2), dbSNP rs75760698, ClinGen allele CA006857.